The following is an entry in ClinVar:

NM_001363.5(DKC1):c.1070C>G (p.Thr357Ser)

Gene: DKC1 (dyskerin pseudouridine synthase 1; plus strand). Cytogenetic location: Xq28.
Variant type: single nucleotide variant.
Coding change: c.1070C>G on transcript NM_001363.5 (MANE Select); coding-DNA position 1070, C replaced by G.
Protein change: p.Thr357Ser; replaces threonine 357 with serine.
Molecular consequence: missense variant. On other transcripts: non-coding transcript variant (3).
Genome position (GRCh38, 1-based): chrX:154,773,164, C>G. VCF-style: chrX-154773164-C-G. GRCh37 (hg19) VCF-style: chrX-154001439-C-G.
Other names: c.1070C>G, p.Thr357Ser (NM_001142463.3, NM_001288747.2); short protein forms T357S.
Identifiers: ClinVar variation 1711895 (VCV001711895.2), dbSNP rs782079822, ClinGen allele CA10567151.

ClinVar aggregate classification (germline): Uncertain significance (1 of 4 stars; one submission).

Allele frequency attached by ClinVar (database versions not stated): gnomAD exomes below 0.00001; ExAC 0.00001.
gnomAD v4.1: 3 of 1,208,056 alleles (0.00025%); highest among the groups gnomAD compares: Middle Eastern, 0.023%; no homozygotes.

Submission:

GeneDx
Classification: Uncertain significance. Last evaluated: 2022-04-21. Review status: criteria provided, single submitter. Criteria: GeneDx Variant Classification Process June 2021. Collection method: clinical testing. Allele origin: germline. Affected: yes.
Comment: Not observed at significant frequency in large population cohorts (gnomAD); In silico analysis supports that this missense variant does not alter protein structure/function; Has not been previously published as pathogenic or benign to our knowledge